The following is an entry in ClinVar:

ClinVar aggregate classification (germline): Uncertain significance. Review status: criteria provided, multiple submitters, no conflicts (2 of 4 stars). 3 submissions from 3 submitters: Uncertain significance (2). 1 of the submissions does not count toward it. Last evaluated 2022-08-04.

Conditions:
Mucolipidosis type II. Also called: Mucolipidosis 2; ML 2; Inclusion cell disease; Leroy Disease; N-acetylglucosamine 1phosphotransferase deficiency; ML disorder type 2. Identifiers: Orphanet 576, MedGen C2673377, MONDO:0009650, OMIM 252500.
Pseudo-Hurler polydystrophy. Also called: ML IIIA; Mucolipidosis III Alpha/Beta; MUCOLIPIDOSIS IIIA; ML III; ML III ALPHA/BETA; Type III Mucolipidosis. Identifiers: Orphanet 423461, Orphanet 577, MedGen C0033788, MONDO:0018931, OMIM 252600.

Allele frequency attached by ClinVar (database versions not stated): 1000 Genomes Project 0.00020; gnomAD 0.00006; TOPMed 0.00010; 1000 Genomes Project 30x 0.00016.
gnomAD v4.1: 63 of 1,614,216 alleles (0.0039%); highest among the groups gnomAD compares: Admixed American, 0.1%; no homozygotes.

Submissions (3):

Labcorp Genetics (formerly Invitae), Labcorp
Classification: Uncertain significance for Pseudo-Hurler polydystrophy; Mucolipidosis type II. Last evaluated: 2022-08-04. Review status: criteria provided, single submitter. Criteria: Invitae Variant Classification Sherloc (09022015). Collection method: clinical testing. Allele origin: germline.
Comment: This sequence change replaces asparagine, which is neutral and polar, with isoleucine, which is neutral and non-polar, at codon 593 of the GNPTAB protein (p.Asn593Ile). This variant is present in population databases (rs188192351, gnomAD 0.1%). This variant has not been reported in the literature in individuals affected with GNPTAB-related conditions. ClinVar contains an entry for this variant (Variation ID: 991282). Algorithms developed to predict the effect of missense changes on protein structure and function are either unavailable or do not agree on the potential impact of this missense change (SIFT: "Deleterious"; PolyPhen-2: "Probably Damaging"; Align-GVGD: "Class C0"). In summary, the available evidence is currently insufficient to determine the role of this variant in disease. Therefore, it has been classified as a Variant of Uncertain Significance.

GeneDx
Classification: Uncertain significance. Last evaluated: 2020-03-26. Review status: criteria provided, single submitter. Criteria: GeneDx Variant Classification Process June 2021. Collection method: clinical testing. Allele origin: germline. Affected: yes.
Comment: In silico analysis supports that this missense variant has a deleterious effect on protein structure/function

Natera, Inc.
Classification: Uncertain significance for Mucolipidosis type II. Last evaluated: 2020-04-17. Review status: no assertion criteria provided. Collection method: clinical testing. Allele origin: germline. Not counted in ClinVar's aggregate classification.

NM_024312.5(GNPTAB):c.1778A>T (p.Asn593Ile)

Gene: GNPTAB (N-acetylglucosamine-1-phosphate transferase subunits alpha and beta; minus strand). Cytogenetic location: 12q23.2.
Variant type: single nucleotide variant.
Coding change: c.1778A>T on transcript NM_024312.5 (MANE Select); coding-DNA position 1778, A replaced by T.
Protein change: p.Asn593Ile; replaces asparagine 593 with isoleucine.
Molecular consequence: missense variant.
Genome position (GRCh38, 1-based): chr12:101,765,139, T>A on the plus strand (A>T on the coding strand, the complement: GNPTAB is on the minus strand). VCF-style: chr12-101765139-T-A. GRCh37 (hg19) VCF-style: chr12-102158917-T-A.
Other names: c.1778A>T (NM_024312.4); short protein forms N593I.
Identifiers: ClinVar variation 991282 (VCV000991282.6), dbSNP rs188192351, ClinGen allele CA6746530.